The following is an entry in ClinVar:

NM_000037.4(ANK1):c.202G>T (p.Glu68Ter)

Gene: ANK1 (ankyrin 1; minus strand). Cytogenetic location: 8p11.21.
Variant type: single nucleotide variant.
Coding change: c.202G>T on transcript NM_000037.4 (MANE Select); coding-DNA position 202, G replaced by T.
Protein change: p.Glu68Ter; replaces glutamic acid 68 with a stop codon.
Molecular consequence: nonsense.
Genome position (GRCh38, 1-based): chr8:41,733,997, C>A on the plus strand (G>T on the coding strand, the complement: ANK1 is on the minus strand). VCF-style: chr8-41733997-C-A. GRCh37 (hg19) VCF-style: chr8-41591515-C-A.
Other names: c.202G>T, p.Glu68Ter (NM_020475.3, NM_020476.3, NM_020477.3); c.301G>T, p.Glu101Ter (NM_001142446.2); short protein forms E101*, E68*.
Identifiers: ClinVar variation 2033863 (VCV002033863.4), dbSNP rs2487036103, ClinGen allele CA371049027.
Genomic context (GRCh38, chr8:41,733,997, plus strand): 5'-AATGCAAAGCTCCCCCACTCCCTGTGAGACATACCTTGGTTGTCGTTTCTAGAATGATTT[C>A]TTTGTGCAGAAGTTCAACCACCATTTTCACATGGCCTTCCTTAGAAGCCAGATGCAAGCC-3'

ClinVar aggregate classification (germline): Pathogenic (1 of 4 stars; one submission).

Submission:

Labcorp Genetics (formerly Invitae), Labcorp
Classification: Pathogenic. Last evaluated: 2023-01-05. Review status: criteria provided, single submitter. Criteria: Invitae Variant Classification Sherloc (09022015). Collection method: clinical testing. Allele origin: germline.
Comment: For these reasons, this variant has been classified as Pathogenic. This variant has not been reported in the literature in individuals affected with ANK1-related conditions. This variant is not present in population databases (gnomAD no frequency). This sequence change creates a premature translational stop signal (p.Glu68*) in the ANK1 gene. It is expected to result in an absent or disrupted protein product. Loss-of-function variants in ANK1 are known to be pathogenic (PMID: 8640229).

Literature cited by the submitters: PubMed 8640229.